The following is an entry in ClinVar:

NM_005502.4(ABCA1):c.740C>T (p.Ser247Phe)

Gene: ABCA1 (ATP binding cassette subfamily A member 1; minus strand). Cytogenetic location: 9q31.1.
Variant type: single nucleotide variant.
Coding change: c.740C>T on transcript NM_005502.4 (MANE Select); coding-DNA position 740, C replaced by T.
Protein change: p.Ser247Phe; replaces serine 247 with phenylalanine.
Molecular consequence: missense variant.
Genome position (GRCh38, 1-based): chr9:104,845,550, G>A on the plus strand (C>T on the coding strand, the complement: ABCA1 is on the minus strand). VCF-style: chr9-104845550-G-A. GRCh37 (hg19) VCF-style: chr9-107607831-G-A.
Other names: short protein forms S247F.
Identifiers: ClinVar variation 3268027 (VCV003268027.1).
Genomic context (GRCh38, chr9:104,845,550, plus strand): 5'-GTCCCAAGACTATGCAGCAATGTTTTTGTGGCTTCAGCCAGCTCCTTGCTCGGGAAGGGA[G>A]ATGTAGAGTTTAGTGTTCTCTGTAATGAGAAAGAAAACTTTGTTTCTGAATTCAAATGTA-3'
Protein context (NP_005493.2, residues 237-257): KPILRTLNST[Ser247Phe]PFPSKELAEA

ClinVar aggregate classification (germline): Uncertain significance (1 of 4 stars; one submission).

Conditions:
Cardiovascular phenotype. Identifiers: MedGen CN230736.

Submission:

Ambry Genetics
Classification: Uncertain significance for Cardiovascular phenotype. Last evaluated: 2024-04-04. Review status: criteria provided, single submitter. Criteria: Ambry Variant Classification Scheme 2023. Collection method: clinical testing. Allele origin: germline.
Comment: The p.S247F variant (also known as c.740C>T), located in coding exon 7 of the ABCA1 gene, results from a C to T substitution at nucleotide position 740. The serine at codon 247 is replaced by phenylalanine, an amino acid with highly dissimilar properties. This amino acid position is conserved. In addition, the in silico prediction for this alteration is inconclusive. Based on the available evidence, the clinical significance of this variant remains unclear.